The following is an entry in ClinVar:

NM_000252.3(MTM1):c.388A>T (p.Arg130Ter)

Gene: MTM1 (myotubularin 1; plus strand). Cytogenetic location: Xq28.
Variant type: single nucleotide variant.
Coding change: c.388A>T on transcript NM_000252.3 (MANE Select); coding-DNA position 388, A replaced by T.
Protein change: p.Arg130Ter; replaces arginine 130 with a stop codon.
Molecular consequence: nonsense.
Genome position (GRCh38, 1-based): chrX:150,619,083, A>T. VCF-style: chrX-150619083-A-T. GRCh37 (hg19) VCF-style: chrX-149787556-A-T.
Other names: c.388A>T, p.Arg130Ter (NM_001376906.1, NM_001376908.1); c.277A>T, p.Arg93Ter (NM_001376907.1); short protein forms R130*, R93*.
Identifiers: ClinVar variation 984135 (VCV000984135.3), dbSNP rs2039434309, ClinGen allele CA415251314.

ClinVar aggregate classification (germline): Likely pathogenic (1 of 4 stars; one submission).

Conditions:
Severe X-linked myotubular myopathy (CNMX). Also called: MYOTUBULAR MYOPATHY 1; X-linked centronuclear myopathy; Myotubular myopathy, X-linked. Identifiers: Orphanet 596, MedGen C0410203, MONDO:0010683, OMIM 310400.

Submission:

Myriad Genetics, Inc.
Classification: Likely pathogenic for Severe X-linked myotubular myopathy. Last evaluated: 2019-12-28. Review status: criteria provided, single submitter. Criteria: Myriad Women's Health Autosomal Recessive and X-Linked Classification Criteria (2019). Collection method: clinical testing. Allele origin: unknown.
Comment: NM_000252.2(MTM1):c.388A>T(R130*) is expected to be pathogenic in the context of X-linked myotubular myopathy. This variant is predicted to lead to an abnormal or absent protein product due to the creation of a premature termination codon in MTM1, a gene where loss-of-function variants are known to be pathogenic. Please note: this variant was assessed in the context of healthy population screening.